The following is an entry in ClinVar:

NM_020937.4(FANCM):c.3242G>C (p.Cys1081Ser)

Gene: FANCM (FA complementation group M; plus strand). Cytogenetic location: 14q21.2.
Variant type: single nucleotide variant.
Coding change: c.3242G>C on transcript NM_020937.4 (MANE Select); coding-DNA position 3242, G replaced by C.
Protein change: p.Cys1081Ser; replaces cysteine 1081 with serine.
Molecular consequence: missense variant.
Genome position (GRCh38, 1-based): chr14:45,175,996, G>C. VCF-style: chr14-45175996-G-C. GRCh37 (hg19) VCF-style: chr14-45645199-G-C.
Other names: c.3164G>C, p.Cys1055Ser (NM_001308133.2); short protein forms C1055S, C1081S.
Identifiers: ClinVar variation 2576890 (VCV002576890.3), dbSNP rs1273042421, ClinGen allele CA389600526.
Genomic context (GRCh38, chr14:45,175,996, plus strand): 5'-CTGAAAAAAGTTGCCTTTATGATATACCTAATGATAATATTTCTGATGAGCCAAGTCTCT[G>C]TGACTGTGATGTACATAAACATAATCAAAATGAAAATTTAGTACCTAACAATCGTGTTCA-3'
Protein context (NP_065988.1, residues 1071-1091): NDNISDEPSL[Cys1081Ser]DCDVHKHNQN

ClinVar aggregate classification (germline): Uncertain significance. Review status: criteria provided, multiple submitters, no conflicts (2 of 4 stars). 2 submissions from 2 submitters: Uncertain significance (2). Last evaluated 2026-02-28.

Conditions:
Inborn genetic diseases. Identifiers: MedGen C0950123, MeSH D030342.

Allele frequency attached by ClinVar (database versions not stated): gnomAD exomes below 0.00001.

Submissions (2):

Ambry Genetics
Classification: Uncertain significance for Inborn genetic diseases. Last evaluated: 2026-02-28. Review status: criteria provided, single submitter. Criteria: Ambry Variant Classification Scheme 2023. Collection method: clinical testing. Allele origin: germline.
Comment: The p.C1081S variant (also known as c.3242G>C), located in coding exon 14 of the FANCM gene, results from a G to C substitution at nucleotide position 3242. The cysteine at codon 1081 is replaced by serine, an amino acid with dissimilar properties. This amino acid position is conserved. In addition, this alteration is predicted to be tolerated by in silico analysis. Based on the available evidence, the clinical significance of this variant remains unclear.

GeneDx
Classification: Uncertain significance. Last evaluated: 2023-02-17. Review status: criteria provided, single submitter. Criteria: GeneDx Variant Classification Process June 2021. Collection method: clinical testing. Allele origin: germline. Affected: yes.
Comment: Not observed at significant frequency in large population cohorts (gnomAD); In silico analysis supports that this missense variant does not alter protein structure/function; Has not been previously published as pathogenic or benign to our knowledge